The following is an entry in ClinVar:

ClinVar aggregate classification (germline): Uncertain significance (1 of 4 stars; one submission).

Conditions:
Inborn genetic diseases. Identifiers: MedGen C0950123, MeSH D030342.

Allele frequency attached by ClinVar (database versions not stated): gnomAD exomes below 0.00001.
gnomAD v4.1: 2 of 1,613,090 alleles (0.00012%); highest among the groups gnomAD compares: East Asian, 0.0022%; no homozygotes.

Submission:

Ambry Genetics
Classification: Uncertain significance for Inborn genetic diseases. Last evaluated: 2020-12-07. Review status: criteria provided, single submitter. Criteria: Ambry Variant Classification Scheme 2023. Collection method: clinical testing. Allele origin: germline.
Comment: The c.3683A>G (p.Y1228C) alteration is located in exon 1 (coding exon 1) of the MN1 gene. This alteration results from a A to G substitution at nucleotide position 3683, causing the tyrosine (Y) at amino acid position 1228 to be replaced by a cysteine (C). The in silico prediction for the p.Y1228C alteration is inconclusive. Based on insufficient or conflicting evidence, the clinical significance of this alteration remains unclear.

NM_002430.3(MN1):c.3683A>G (p.Tyr1228Cys)

Gene: MN1 (MN1 proto-oncogene, transcriptional regulator; minus strand). Cytogenetic location: 22q12.1.
Variant type: single nucleotide variant.
Coding change: c.3683A>G on transcript NM_002430.3 (MANE Select); coding-DNA position 3683, A replaced by G.
Protein change: p.Tyr1228Cys; replaces tyrosine 1228 with cysteine.
Molecular consequence: missense variant.
Genome position (GRCh38, 1-based): chr22:27,796,861, T>C on the plus strand (A>G on the coding strand, the complement: MN1 is on the minus strand). VCF-style: chr22-27796861-T-C. GRCh37 (hg19) VCF-style: chr22-28192849-T-C.
Other names: short protein forms Y1228C.
Identifiers: ClinVar variation 2228438 (VCV002228438.2), dbSNP rs2517769852, ClinGen allele CA411041734.
Genomic context (GRCh38, chr22:27,796,861, plus strand): 5'-CAGGGCGCCAACGTCTTGTCGTCGTCCGCGCTGTCCACCAGGGCCTTGTCAGCGGGCATG[T>C]ACCAGGCAGCGCTGTGCTCTGCCATCAGCGAGTCCAGGTCAATGGTGCTCATGGCGCTCT-3'
Protein context (NP_002421.3, residues 1218-1238): SLMAEHSAAW[Tyr1228Cys]MPADKALVDS